The following is an entry in ClinVar:

ClinVar aggregate classification (germline): Uncertain significance (1 of 4 stars; one submission).

Allele frequency attached by ClinVar (database versions not stated): gnomAD exomes below 0.00001; gnomAD 0.00001.
gnomAD v4.1: 5 of 1,614,124 alleles (0.00031%); highest among the groups gnomAD compares: Admixed American, 0.0033%; no homozygotes.

Submission:

Ambry Genetics
Classification: Uncertain significance. Last evaluated: 2024-09-23. Review status: criteria provided, single submitter. Criteria: Ambry Variant Classification Scheme 2023. Collection method: clinical testing. Allele origin: germline.
Comment: The p.Y224H variant (also known as c.670T>C), located in coding exon 3 of the ALPK2 gene, results from a T to C substitution at nucleotide position 670. The tyrosine at codon 224 is replaced by histidine, an amino acid with similar properties. This amino acid position is conserved. In addition, this alteration is predicted to be tolerated by in silico analysis. Since supporting evidence is limited at this time, the clinical significance of this alteration remains unclear.

NM_052947.4(ALPK2):c.670T>C (p.Tyr224His)

Gene: ALPK2 (alpha kinase 2; minus strand). Cytogenetic location: 18q21.31.
Variant type: single nucleotide variant.
Coding change: c.670T>C on transcript NM_052947.4 (MANE Select); coding-DNA position 670, T replaced by C.
Protein change: p.Tyr224His; replaces tyrosine 224 with histidine.
Molecular consequence: missense variant.
Genome position (GRCh38, 1-based): chr18:58,580,106, A>G on the plus strand (T>C on the coding strand, the complement: ALPK2 is on the minus strand). VCF-style: chr18-58580106-A-G. GRCh37 (hg19) VCF-style: chr18-56247338-A-G.
Other names: short protein forms Y224H.
Identifiers: ClinVar variation 1755045 (VCV001755045.3), dbSNP rs1367099586, ClinGen allele CA402567476.